The following is an entry in ClinVar:

NM_003737.4(DCHS1):c.3142G>C (p.Glu1048Gln)

Gene: DCHS1 (dachsous cadherin-related 1; minus strand). Cytogenetic location: 11p15.4.
Variant type: single nucleotide variant.
Coding change: c.3142G>C on transcript NM_003737.4 (MANE Select); coding-DNA position 3142, G replaced by C.
Protein change: p.Glu1048Gln; replaces glutamic acid 1048 with glutamine.
Molecular consequence: missense variant.
Genome position (GRCh38, 1-based): chr11:6,632,370, C>G on the plus strand (G>C on the coding strand, the complement: DCHS1 is on the minus strand). VCF-style: chr11-6632370-C-G. GRCh37 (hg19) VCF-style: chr11-6653601-C-G.
Other names: short protein forms E1048Q.
Identifiers: ClinVar variation 2769446 (VCV002769446.3), dbSNP rs2493828991, ClinGen allele CA379417026.

ClinVar aggregate classification (germline): Uncertain significance (1 of 4 stars; one submission).

Submission:

Labcorp Genetics (formerly Invitae), Labcorp
Classification: Uncertain significance. Last evaluated: 2023-10-27. Review status: criteria provided, single submitter. Criteria: Invitae Variant Classification Sherloc (09022015). Collection method: clinical testing. Allele origin: germline.
Comment: This sequence change replaces glutamic acid, which is acidic and polar, with glutamine, which is neutral and polar, at codon 1048 of the DCHS1 protein (p.Glu1048Gln). This variant is not present in population databases (gnomAD no frequency). This variant has not been reported in the literature in individuals affected with DCHS1-related conditions. Advanced modeling of protein sequence and biophysical properties (such as structural, functional, and spatial information, amino acid conservation, physicochemical variation, residue mobility, and thermodynamic stability) performed at Invitae indicates that this missense variant is expected to disrupt DCHS1 protein function with a positive predictive value of 80%. In summary, the available evidence is currently insufficient to determine the role of this variant in disease. Therefore, it has been classified as a Variant of Uncertain Significance.